The following is an entry in ClinVar:

NM_004525.3(LRP2):c.7307C>T (p.Thr2436Ile)

Gene: LRP2 (LDL receptor related protein 2; minus strand). Cytogenetic location: 2q31.1.
Variant type: single nucleotide variant.
Coding change: c.7307C>T on transcript NM_004525.3 (MANE Select); coding-DNA position 7307, C replaced by T.
Protein change: p.Thr2436Ile; replaces threonine 2436 with isoleucine.
Molecular consequence: missense variant.
Genome position (GRCh38, 1-based): chr2:169,206,413, G>A on the plus strand (C>T on the coding strand, the complement: LRP2 is on the minus strand). VCF-style: chr2-169206413-G-A. GRCh37 (hg19) VCF-style: chr2-170062923-G-A.
Other names: short protein forms T2436I.
Identifiers: ClinVar variation 975596 (VCV000975596.6), dbSNP rs771962414, ClinGen allele CA1954139.

ClinVar aggregate classification (germline): Uncertain significance. Review status: criteria provided, multiple submitters, no conflicts (2 of 4 stars). 3 submissions from 3 submitters: Uncertain significance (2). 1 of the submissions does not count toward it. Last evaluated 2024-10-21.

Conditions:
Intellectual disability. Also called: intellectual disabilities; Intellectual developmental disorder; Intellectual functioning disability. Identifiers: MedGen C3714756, MeSH D008607, MONDO:0001071, HP:0001249.
Donnai-Barrow syndrome. Also called: DBS/FOAR SYNDROME; FACIOOCULOACOUSTICORENAL SYNDROME. Identifiers: Orphanet 2143, MedGen C1857277, MONDO:0009104, OMIM 222448.

Allele frequency attached by ClinVar (database versions not stated): gnomAD exomes 0.00002; TOPMed 0.00002; ExAC 0.00002; gnomAD 0.00002.
gnomAD v4.1: 38 of 1,614,022 alleles (0.0024%); highest among the groups gnomAD compares: Non-Finnish European, 0.0031%; no homozygotes.

Submissions (3):

Labcorp Genetics (formerly Invitae), Labcorp
Classification: Uncertain significance. Last evaluated: 2024-10-21. Review status: criteria provided, single submitter. Criteria: Invitae Variant Classification Sherloc (09022015). Collection method: clinical testing. Allele origin: germline.
Comment: This sequence change replaces threonine, which is neutral and polar, with isoleucine, which is neutral and non-polar, at codon 2436 of the LRP2 protein (p.Thr2436Ile). This variant is present in population databases (rs771962414, gnomAD 0.004%). This variant has not been reported in the literature in individuals affected with LRP2-related conditions. ClinVar contains an entry for this variant (Variation ID: 975596). Invitae Evidence Modeling of protein sequence and biophysical properties (such as structural, functional, and spatial information, amino acid conservation, physicochemical variation, residue mobility, and thermodynamic stability) indicates that this missense variant is expected to disrupt LRP2 protein function with a positive predictive value of 95%. In summary, the available evidence is currently insufficient to determine the role of this variant in disease. Therefore, it has been classified as a Variant of Uncertain Significance.

Baylor Genetics
Classification: Uncertain significance for Donnai-Barrow syndrome. Last evaluated: 2024-03-07. Review status: criteria provided, single submitter. Criteria: ACMG Guidelines, 2015. Collection method: clinical testing. Allele origin: unknown.

Centre de Biologie Pathologie Génétique, Centre Hospitalier Universitaire de Lille
Classification: Likely benign for Intellectual disability. Last evaluated: 2019-01-01. Review status: no assertion criteria provided. Collection method: clinical testing. Allele origin: inherited. Affected: yes. Not counted in ClinVar's aggregate classification.